The following is an entry in ClinVar:

NM_006421.5(ARFGEF1):c.287T>A (p.Val96Asp)

Gene: ARFGEF1 (ARF guanine nucleotide exchange factor 1; minus strand). Cytogenetic location: 8q13.2.
Variant type: single nucleotide variant.
Coding change: c.287T>A on transcript NM_006421.5 (MANE Select); coding-DNA position 287, T replaced by A.
Protein change: p.Val96Asp; replaces valine 96 with aspartic acid.
Molecular consequence: missense variant. On other transcripts: 5 prime UTR variant (4), non-coding transcript variant (1).
Genome position (GRCh38, 1-based): chr8:67,301,249, A>T on the plus strand (T>A on the coding strand, the complement: ARFGEF1 is on the minus strand). VCF-style: chr8-67301249-A-T. GRCh37 (hg19) VCF-style: chr8-68213484-A-T.
Other names: c.287T>A, p.Val96Asp (NM_001413184.1, NM_001413185.1, NM_001413186.1 and 7 more transcripts); c.-314T>A (NM_001413188.1, NM_001413193.1, NM_001413197.1); c.-829T>A (NM_001413196.1); short protein forms V96D.
Identifiers: ClinVar variation 2582028 (VCV002582028.1), dbSNP rs1301714952, ClinGen allele CA371259068.

ClinVar aggregate classification (germline): Uncertain significance (1 of 4 stars; one submission).

Submission:

GeneDx
Classification: Uncertain significance. Last evaluated: 2023-03-28. Review status: criteria provided, single submitter. Criteria: GeneDx Variant Classification Process June 2021. Collection method: clinical testing. Allele origin: germline. Affected: yes.
Comment: Not observed at significant frequency in large population cohorts (gnomAD); In silico analysis supports that this missense variant has a deleterious effect on protein structure/function; Has not been previously published as pathogenic or benign to our knowledge